The following is an entry in ClinVar:

ClinVar aggregate classification (germline): Uncertain significance. Review status: criteria provided, multiple submitters, no conflicts (2 of 4 stars). 2 submissions from 2 submitters: Uncertain significance (2). Last evaluated 2025-02-28.

Conditions:
CDH23-related disorder. Also called: CDH23-related condition; CDH23-related disorders.

Allele frequency attached by ClinVar (database versions not stated): TOPMed 0.00001; gnomAD 0.00002.
gnomAD v4.1: 49 of 1,613,374 alleles (0.003%); highest among the groups gnomAD compares: Non-Finnish European, 0.0036%; no homozygotes.

Submissions (2):

PreventionGenetics, part of Exact Sciences
Classification: Uncertain significance for CDH23-related condition. Last evaluated: 2025-02-28. Review status: criteria provided, single submitter. Criteria: ACMG Guidelines, 2015. Collection method: clinical testing. Allele origin: germline.
Comment: The CDH23 c.6025C>T variant is predicted to result in the amino acid substitution p.Leu2009Phe. To our knowledge, this variant has not been reported in the literature. This variant is reported in 0.0024% of alleles in individuals of European (Non-Finnish) descent in gnomAD. At this time, the clinical significance of this variant is uncertain due to the absence of conclusive functional and genetic evidence.

Labcorp Genetics (formerly Invitae), Labcorp
Classification: Uncertain significance. Last evaluated: 2022-10-25. Review status: criteria provided, single submitter. Criteria: Invitae Variant Classification Sherloc (09022015). Collection method: clinical testing. Allele origin: germline.
Comment: This sequence change replaces leucine, which is neutral and non-polar, with phenylalanine, which is neutral and non-polar, at codon 2009 of the CDH23 protein (p.Leu2009Phe). The frequency data for this variant in the population databases is considered unreliable, as metrics indicate poor data quality at this position in the gnomAD database. This variant has not been reported in the literature in individuals affected with CDH23-related conditions. Advanced modeling of protein sequence and biophysical properties (such as structural, functional, and spatial information, amino acid conservation, physicochemical variation, residue mobility, and thermodynamic stability) performed at Invitae indicates that this missense variant is not expected to disrupt CDH23 protein function. In summary, the available evidence is currently insufficient to determine the role of this variant in disease. Therefore, it has been classified as a Variant of Uncertain Significance.

NM_022124.6(CDH23):c.6025C>T (p.Leu2009Phe)

Gene: CDH23 (cadherin related 23; plus strand). Cytogenetic location: 10q22.1.
Variant type: single nucleotide variant.
Coding change: c.6025C>T on transcript NM_022124.6 (MANE Select); coding-DNA position 6025, C replaced by T.
Protein change: p.Leu2009Phe; replaces leucine 2009 with phenylalanine.
Molecular consequence: missense variant.
Genome position (GRCh38, 1-based): chr10:71,790,389, C>T. VCF-style: chr10-71790389-C-T. GRCh37 (hg19) VCF-style: chr10-73550146-C-T.
Other names: c.6025C>T (NM_022124.5); short protein forms L2009F.
Identifiers: ClinVar variation 2148326 (VCV002148326.2), dbSNP rs745433741, ClinGen allele CA5545965.